The following is an entry in ClinVar:

ClinVar aggregate classification (germline): Benign. Review status: criteria provided, multiple submitters, no conflicts (2 of 4 stars). 2 submissions from 2 submitters: Benign (2). Last evaluated 2018-06-18.

Allele frequency attached by ClinVar (database versions not stated): gnomAD exomes 0.17469; gnomAD 0.27552 and 0.27590; TOPMed 0.29444; 1000 Genomes Project 0.34984; 1000 Genomes Project 30x 0.36056.
gnomAD v4.1: 287,506 of 1,552,814 alleles (19%); highest among the groups gnomAD compares: African/African-American, 51%; 33,893 homozygotes.

Submissions (2):

GeneDx
Classification: Benign. Last evaluated: 2018-06-18. Review status: criteria provided, single submitter. Criteria: GeneDx Variant Classification (06012015). Collection method: clinical testing. Allele origin: germline. Affected: yes.
Comment: This variant is considered likely benign or benign based on one or more of the following criteria: it is a conservative change, it occurs at a poorly conserved position in the protein, it is predicted to be benign by multiple in silico algorithms, and/or has population frequency not consistent with disease.

Breakthrough Genomics
Classification: Benign. Review status: criteria provided, single submitter. Criteria: ACMG Guidelines, 2015. Collection method: not provided. Allele origin: germline. Inheritance: Autosomal dominant inheritance. Affected: yes.

NM_003036.4(SKI):c.1475-60C>T

Gene: SKI (SKI proto-oncogene; plus strand). Cytogenetic location: 1p36.32.
Variant type: single nucleotide variant.
Coding change: c.1475-60C>T on transcript NM_003036.4 (MANE Select); 60 bases into the intron before coding-DNA position 1475, C replaced by T.
Molecular consequence: intron variant.
Genome position (GRCh38, 1-based): chr1:2,304,233, C>T. VCF-style: chr1-2304233-C-T. GRCh37 (hg19) VCF-style: chr1-2235672-C-T.
Identifiers: ClinVar variation 673795 (VCV000673795.2), dbSNP rs2843159, ClinGen allele CA10917939.